The following is an entry in ClinVar:

ClinVar aggregate classification (germline): Conflicting classifications of pathogenicity. Review status: criteria provided, conflicting classifications (1 of 4 stars). 4 submissions from 4 submitters: Uncertain significance (2); Likely benign (2). Last evaluated 2025-12-08.

Conditions:
IL17RA-related disorder. Also called: IL17RA-related condition.
Immunodeficiency 51 (IMD51). Also called: CANDIDIASIS, FAMILIAL, 5. Identifiers: Orphanet 1334, MedGen C4310803, MONDO:0013500, OMIM 613953.

Allele frequency attached by ClinVar (database versions not stated): gnomAD exomes 0.00017; ExAC 0.00026; ESP Exome Variant Server 0.00069; gnomAD 0.00084 and 0.00088; TOPMed 0.00094; 1000 Genomes Project 0.00100; 1000 Genomes Project 30x 0.00141.
gnomAD v4.1: 259 of 1,614,118 alleles (0.016%); highest among the groups gnomAD compares: African/African-American, 0.32%; no homozygotes.

Submissions (4):

PreventionGenetics, part of Exact Sciences
Classification: Likely benign for IL17RA-related condition. Last evaluated: 2025-12-08. Review status: criteria provided, single submitter. Criteria: ACMG Guidelines, 2015. Collection method: clinical testing. Allele origin: germline.
Comment: This variant is classified as likely benign based on ACMG/AMP sequence variant interpretation guidelines (Richards et al. 2015 PMID: 25741868, with internal and published modifications).

Labcorp Genetics (formerly Invitae), Labcorp
Classification: Likely benign for Immunodeficiency 51. Last evaluated: 2025-12-03. Review status: criteria provided, single submitter. Criteria: Invitae Variant Classification Sherloc (09022015). Collection method: clinical testing. Allele origin: germline.

Blueprint Genetics
Classification: Uncertain significance. Last evaluated: 2024-11-11. Review status: criteria provided, single submitter. Criteria: ACMG Guidelines, 2015. Collection method: clinical testing. Allele origin: germline.

Illumina Laboratory Services, Illumina
Classification: Uncertain significance for Immunodeficiency 51. Last evaluated: 2018-01-13. Review status: criteria provided, single submitter. Criteria: ICSL Variant Classification Criteria 13 December 2019. Collection method: clinical testing. Allele origin: germline.

NM_014339.7(IL17RA):c.465G>C (p.Gln155His)

Gene: IL17RA (interleukin 17 receptor A; plus strand). Cytogenetic location: 22q11.1.
Variant type: single nucleotide variant.
Coding change: c.465G>C on transcript NM_014339.7 (MANE Select); coding-DNA position 465, G replaced by C.
Protein change: p.Gln155His; replaces glutamine 155 with histidine.
Molecular consequence: missense variant.
Genome position (GRCh38, 1-based): chr22:17,100,396, G>C. VCF-style: chr22-17100396-G-C. GRCh37 (hg19) VCF-style: chr22-17581286-G-C.
Other names: c.465G>C, p.Gln155His (NM_001289905.2); short protein forms Q155H.
Identifiers: ClinVar variation 340573 (VCV000340573.18), dbSNP rs142199303, ClinGen allele CA10086368.